The following is an entry in ClinVar:

ClinVar aggregate classification (germline): Likely benign (0 of 4 stars; one submission).

Conditions:
OXCT1-related disorder. Also called: OXCT1-related condition.

Submission:

PreventionGenetics, part of Exact Sciences
Classification: Likely benign for OXCT1-related condition. Last evaluated: 2021-10-20. Review status: no assertion criteria provided. Collection method: clinical testing. Allele origin: germline.
Comment: This variant is classified as likely benign based on ACMG/AMP sequence variant interpretation guidelines (Richards et al. 2015 PMID: 25741868, with internal and published modifications).

NM_000436.4(OXCT1):c.415-1537del

Gene: OXCT1 (3-oxoacid CoA-transferase 1; minus strand). Cytogenetic location: 5p13.1.
Variant type: Deletion.
Coding change: c.415-1537del on transcript NM_000436.4 (MANE Select); 1537 bases into the intron before coding-DNA position 415, one base deleted (T; older notation c.415-1537delT).
Molecular consequence: intron variant.
Genome position (GRCh38, 1-based): chr5:41,851,716, A deleted on the plus strand (T on the coding strand, the reverse complement: OXCT1 is on the minus strand); the first of 11 consecutive A bases (chr5:41,851,716-41,851,726); deleting any one gives the same sequence. VCF-style (leftmost placement, unchanged base first): chr5-41851715-TA-T. GRCh37 (hg19) VCF-style: chr5-41851817-TA-T.
Other names: c.415-1537del (NM_001364301.2, NM_001364302.2); c.415-5del (NM_001364299.2); c.436-1537del (NM_001364300.2).
Identifiers: ClinVar variation 3041841 (VCV003041841.2), dbSNP rs577867476, ClinGen allele CA558829940.